The following is an entry in ClinVar:

NM_003000.3(SDHB):c.272G>A (p.Arg91Lys)

Gene: SDHB (succinate dehydrogenase complex iron sulfur subunit B; minus strand). Cytogenetic location: 1p36.13.
Variant type: single nucleotide variant.
Coding change: c.272G>A on transcript NM_003000.3 (MANE Select); coding-DNA position 272, G replaced by A.
Protein change: p.Arg91Lys; replaces arginine 91 with lysine.
Molecular consequence: missense variant.
Genome position (GRCh38, 1-based): chr1:17,033,074, C>T on the plus strand (G>A on the coding strand, the complement: SDHB is on the minus strand). VCF-style: chr1-17033074-C-T. GRCh37 (hg19) VCF-style: chr1-17359569-C-T.
Other names: short protein forms R91K.
Identifiers: ClinVar variation 1013986 (VCV001013986.7), dbSNP rs2078031940, ClinGen allele CA338276438.

ClinVar aggregate classification (germline): Uncertain significance. Review status: criteria provided, multiple submitters, no conflicts (2 of 4 stars). 2 submissions from 2 submitters: Uncertain significance (2). Last evaluated 2022-02-22.

Conditions:
Hereditary cancer-predisposing syndrome. Also called: Neoplastic Syndromes, Hereditary; Hereditary Cancer Syndrome; Hereditary neoplastic syndrome; Tumor predisposition. Identifiers: Orphanet 140162, MedGen C0027672, MeSH D009386, MONDO:0015356.
Pheochromocytoma/paraganglioma syndrome 4. Also called: CAROTID BODY TUMORS AND MULTIPLE EXTRAADRENAL PHEOCHROMOCYTOMAS; SDHB-Related Hereditary Paraganglioma-Pheochromocytoma Syndrome; Paragangliomas 4; SDHB-Related Hereditary Paraganglioma-Pheochromocytoma Syndrome (Paragangliomas 4); PARAGANGLIOMA, FAMILIAL MALIGNANT; PARAGANGLIOMAS, HEREDITARY EXTRAADRENAL. Identifiers: Orphanet 29072, MedGen C1861848, MONDO:0007273, OMIM 115310.
Gastrointestinal stromal tumor. Also called: Gastrointestinal stromal tumor, somatic; Gastrointestinal stroma tumor. Identifiers: Orphanet 44890, MedGen C0238198, MeSH D046152, MONDO:0011719, OMIM 606764, HP:0100723.
Pheochromocytoma. Also called: MAX-Related Hereditary Paraganglioma-Pheochromocytoma Syndrome. Identifiers: Orphanet 29072, MedGen C0031511, MONDO:0008233, OMIM 171300, HP:0002666.

Submissions (2):

Ambry Genetics
Classification: Uncertain significance for Hereditary cancer-predisposing syndrome. Last evaluated: 2022-02-22. Review status: criteria provided, single submitter. Criteria: Ambry Variant Classification Scheme 2023. Collection method: clinical testing. Allele origin: germline.
Comment: The p.R91K variant (also known as c.272G>A), located in coding exon 3 of the SDHB gene, results from a G to A substitution at nucleotide position 272. The arginine at codon 91 is replaced by lysine, an amino acid with highly similar properties. This amino acid position is conserved. In addition, this alteration is predicted to be deleterious by in silico analysis. Since supporting evidence is limited at this time, the clinical significance of this alteration remains unclear.

Labcorp Genetics (formerly Invitae), Labcorp
Classification: Uncertain significance for Gastrointestinal stromal tumor; Pheochromocytoma/paraganglioma syndrome 4; Pheochromocytoma. Last evaluated: 2021-09-15. Review status: criteria provided, single submitter. Criteria: Invitae Variant Classification Sherloc (09022015). Collection method: clinical testing. Allele origin: germline.
Comment: In summary, the available evidence is currently insufficient to determine the role of this variant in disease. Therefore, it has been classified as a Variant of Uncertain Significance. Advanced modeling of protein sequence and biophysical properties (such as structural, functional, and spatial information, amino acid conservation, physicochemical variation, residue mobility, and thermodynamic stability) performed at Invitae indicates that this missense variant is expected to disrupt SDHB protein function. ClinVar contains an entry for this variant (Variation ID: 1013986). This variant has not been reported in the literature in individuals affected with SDHB-related conditions. This variant is not present in population databases (ExAC no frequency). This sequence change replaces arginine with lysine at codon 91 of the SDHB protein (p.Arg91Lys). The arginine residue is highly conserved and there is a small physicochemical difference between arginine and lysine.